The following is an entry in ClinVar:

ClinVar aggregate classification (germline): Pathogenic (1 of 4 stars; one submission).

Conditions:
Charcot-Marie-Tooth disease type 4. Also called: Charcot-Marie-Tooth, Type 4; Charcot-Marie-Tooth disease, type IV. Identifiers: Orphanet 64749, MedGen C4082197, MONDO:0018995.

Submission:

Labcorp Genetics (formerly Invitae), Labcorp
Classification: Pathogenic for Charcot-Marie-Tooth disease type 4. Last evaluated: 2017-08-08. Review status: criteria provided, single submitter. Criteria: Invitae Variant Classification Sherloc (09022015). Collection method: clinical testing. Allele origin: germline.
Comment: For these reasons, this variant has been classified as Pathogenic. Loss-of-function variants in FIG4 are known to be pathogenic (PMID: 23623387). This variant has not been reported in the literature in individuals with FIG4-related disease. This variant is not present in population databases (ExAC no frequency). This sequence change creates a premature translational stop signal (p.Asn402Thrfs*32) in the FIG4 gene. It is expected to result in an absent or disrupted protein product.

Literature cited by the submitters: PubMed 23623387.

NM_014845.6(FIG4):c.1205del (p.Asn402fs)

Gene: FIG4 (FIG4 phosphoinositide 5-phosphatase; plus strand). Cytogenetic location: 6q21.
Variant type: Deletion.
Coding change: c.1205del on transcript NM_014845.6 (MANE Select); coding-DNA position 1205, one base deleted (A; older notation c.1205delA).
Protein change: p.Asn402fs; shifts the reading frame from asparagine 402.
Molecular consequence: frameshift variant.
Genome position (GRCh38, 1-based): chr6:109,760,317, A deleted; the last of 2 consecutive A bases (chr6:109,760,316-109,760,317); deleting either gives the same sequence. VCF-style (leftmost placement, unchanged base first): chr6-109760315-CA-C. GRCh37 (hg19) VCF-style: chr6-110081518-CA-C.
Other names: c.1205delA (NM_014845.5); short protein forms N402fs.
Identifiers: ClinVar variation 543302 (VCV000543302.6), dbSNP rs1554303800, ClinGen allele CA658796799.